The following is an entry in ClinVar:

ClinVar aggregate classification (germline): Uncertain significance (1 of 4 stars; one submission).

Submission:

CeGaT Center for Human Genetics Tuebingen
Classification: Uncertain significance. Last evaluated: 2024-08-01. Review status: criteria provided, single submitter. Criteria: CeGaT Center For Human Genetics Tuebingen Variant Classification Criteria Version 2. Collection method: clinical testing. Allele origin: germline. Affected: yes. Observed: 1 variant allele.
Comment: RBFOX1: PM2, PM4

NM_018723.4(RBFOX1):c.862CCCCCG[1] (p.Pro290_Pro291del)

Gene: RBFOX1 (RNA binding fox-1 homolog 1; plus strand). Cytogenetic location: 16p13.3.
Variant type: Microsatellite.
Coding change: c.862CCCCCG[1] on transcript NM_018723.4 (MANE Select); one copy of the 6-base unit CCCCCG starting at c.862; the reference has two copies in a row; one copy, 6 bases deleted.
Protein change: p.Pro290_Pro291del.
Molecular consequence: inframe deletion.
Genome position (GRCh38, 1-based): chr16:7,653,925-7,653,930, CCCCCG deleted; deleting any 6 consecutive bases within chr16:7,653,917-7,653,930 gives the same sequence; the position shown is the placement nearest the transcript's 3' end. VCF-style (leftmost placement, unchanged base first): chr16-7653916-GCGCCCC-G. GRCh37 (hg19) VCF-style: chr16-7703918-GCGCCCC-G.
Other names: c.781CCCCCG[1], p.Pro263_Pro264del (NM_001142333.2); c.862CCCCCG[1], p.Pro290_Pro291del (NM_001142334.2, NM_001364800.2); c.991CCCCCG[1], p.Pro333_Pro334del (NM_001308117.1, NM_001411047.1, NM_001415891.1 and 1 more transcripts); c.1459CCCCCG[1], p.Pro489_Pro490del (NM_001415887.1); c.1378CCCCCG[1], p.Pro462_Pro463del (NM_001415888.1); c.970CCCCCG[1], p.Pro326_Pro327del (NM_001415889.1, NM_001415892.1, NM_001415894.1 and 1 more transcripts); c.937CCCCCG[1], p.Pro315_Pro316del (NM_001415890.1, NM_001415893.1, NM_001415899.1 and 1 more transcripts); c.922CCCCCG[1], p.Pro310_Pro311del (NM_001415896.1, NM_001415904.1, NM_145891.3 and 2 more transcripts); and 12 more.
Identifiers: ClinVar variation 3342029 (VCV003342029.16).
Genomic context (GRCh38, chr16:7,653,916, plus strand): 5'-TACCGAGGGGCGCACCTGCGAGGCCGCGGTCGCACCGTGTACAACACCTTCAGGGCCGCG[GCGCCCC>G]CGCCCCCGATCCCGGCCTACGGCGGGTAAGTGGGGCAGCCTCCTGGGTGGGCCTCCCTGC-3'